The following is an entry in ClinVar:

NM_006227.4(PLTP):c.1354C>T (p.His452Tyr)

Gene: PLTP (phospholipid transfer protein; minus strand). Cytogenetic location: 20q13.12.
Variant type: single nucleotide variant.
Coding change: c.1354C>T on transcript NM_006227.4 (MANE Select); coding-DNA position 1354, C replaced by T.
Protein change: p.His452Tyr; replaces histidine 452 with tyrosine.
Molecular consequence: missense variant.
Genome position (GRCh38, 1-based): chr20:45,899,467, G>A on the plus strand (C>T on the coding strand, the complement: PLTP is on the minus strand). VCF-style: chr20-45899467-G-A. GRCh37 (hg19) VCF-style: chr20-44528106-G-A.
Other names: c.1069C>T, p.His357Tyr (NM_001242920.2); c.1090C>T, p.His364Tyr (NM_001242921.1); c.1198C>T, p.His400Tyr (NM_182676.3); short protein forms H400Y, H452Y, H357Y, H364Y.
Identifiers: ClinVar variation 2075307 (VCV002075307.4), dbSNP rs2515453628, ClinGen allele CA409255031.
Genomic context (GRCh38, chr20:45,899,467, plus strand): 5'-GAGCTATAGAGAGAGGGGAAGGCCCTCCCTCCTTCCCCATCCTGCCCCCACTCACCGCAT[G>A]GTTCGTCACCACCTCATGCACAAAGTTGATGCCCTCAGGTAGTGGGATCTGCACCCCACG-3'
Protein context (NP_006218.1, residues 442-462): INFVHEVVTN[His452Tyr]AGFLTIGADL

ClinVar aggregate classification (germline): Uncertain significance (1 of 4 stars; one submission).

Submission:

Labcorp Genetics (formerly Invitae), Labcorp
Classification: Uncertain significance. Last evaluated: 2023-10-13. Review status: criteria provided, single submitter. Criteria: Invitae Variant Classification Sherloc (09022015). Collection method: clinical testing. Allele origin: germline.
Comment: This sequence change replaces histidine, which is basic and polar, with tyrosine, which is neutral and polar, at codon 452 of the PLTP protein (p.His452Tyr). This variant is not present in population databases (gnomAD no frequency). This variant has not been reported in the literature in individuals affected with PLTP-related conditions. ClinVar contains an entry for this variant (Variation ID: 2075307). An algorithm developed to predict the effect of missense changes on protein structure and function (PolyPhen-2) suggests that this variant is likely to be disruptive. In summary, the available evidence is currently insufficient to determine the role of this variant in disease. Therefore, it has been classified as a Variant of Uncertain Significance.